The following is an entry in ClinVar:

ClinVar aggregate classification (germline): Uncertain significance (1 of 4 stars; one submission).

Submission:

GeneDx
Classification: Uncertain significance. Last evaluated: 2022-12-12. Review status: criteria provided, single submitter. Criteria: GeneDx Variant Classification Process June 2021. Collection method: clinical testing. Allele origin: germline. Affected: yes.
Comment: Not observed n large population cohorts (gnomAD); In silico analysis supports that this missense variant does not alter protein structure/function; Has not been previously published as pathogenic or benign to our knowledge

NM_030665.4(RAI1):c.1219G>T (p.Val407Leu)

Gene: RAI1 (retinoic acid induced 1; plus strand). Cytogenetic location: 17p11.2.
Variant type: single nucleotide variant.
Coding change: c.1219G>T on transcript NM_030665.4 (MANE Select); coding-DNA position 1219, G replaced by T.
Protein change: p.Val407Leu; replaces valine 407 with leucine.
Molecular consequence: missense variant.
Genome position (GRCh38, 1-based): chr17:17,794,167, G>T. VCF-style: chr17-17794167-G-T. GRCh37 (hg19) VCF-style: chr17-17697481-G-T.
Other names: short protein forms V407L.
Identifiers: ClinVar variation 1304350 (VCV001304350.3), dbSNP rs2032139965, ClinGen allele CA398547142.